The following is an entry in ClinVar:

ClinVar aggregate classification (germline): Uncertain significance (1 of 4 stars; one submission).

Conditions:
Severe combined immunodeficiency due to DNA-PKcs deficiency. Also called: IMMUNODEFICIENCY 26 WITH NEUROLOGIC ABNORMALITIES; Immunodeficiency 26 with or without neurologic abnormalities. Identifiers: Orphanet 317425, MedGen C4014833, MONDO:0014423, OMIM 615966.

Allele frequency attached by ClinVar (database versions not stated): gnomAD exomes 0.00001; ExAC 0.00002; gnomAD 0.00002 and 0.00001; TOPMed 0.00002; 1000 Genomes Project 30x 0.00031.
gnomAD v4.1: 18 of 1,609,180 alleles (0.0011%); highest among the groups gnomAD compares: African/African-American, 0.0053%; no homozygotes.

Submission:

Labcorp Genetics (formerly Invitae), Labcorp
Classification: Uncertain significance for Severe combined immunodeficiency due to DNA-PKcs deficiency. Last evaluated: 2023-12-03. Review status: criteria provided, single submitter. Criteria: Invitae Variant Classification Sherloc (09022015). Collection method: clinical testing. Allele origin: germline.
Comment: This sequence change replaces valine, which is neutral and non-polar, with isoleucine, which is neutral and non-polar, at codon 1596 of the PRKDC protein (p.Val1596Ile). This variant is present in population databases (rs748380564, gnomAD 0.01%). This variant has not been reported in the literature in individuals affected with PRKDC-related conditions. ClinVar contains an entry for this variant (Variation ID: 659999). Advanced modeling of protein sequence and biophysical properties (such as structural, functional, and spatial information, amino acid conservation, physicochemical variation, residue mobility, and thermodynamic stability) performed at Invitae indicates that this missense variant is not expected to disrupt PRKDC protein function with a negative predictive value of 80%. In summary, the available evidence is currently insufficient to determine the role of this variant in disease. Therefore, it has been classified as a Variant of Uncertain Significance.

NM_006904.7(PRKDC):c.4786G>A (p.Val1596Ile)

Gene: PRKDC (protein kinase, DNA-activated, catalytic subunit; minus strand). Cytogenetic location: 8q11.21.
Variant type: single nucleotide variant.
Coding change: c.4786G>A on transcript NM_006904.7 (MANE Select); coding-DNA position 4786, G replaced by A.
Protein change: p.Val1596Ile; replaces valine 1596 with isoleucine.
Molecular consequence: missense variant.
Genome position (GRCh38, 1-based): chr8:47,882,088, C>T on the plus strand (G>A on the coding strand, the complement: PRKDC is on the minus strand). VCF-style: chr8-47882088-C-T. GRCh37 (hg19) VCF-style: chr8-48794649-C-T.
Other names: c.4786G>A, p.Val1596Ile (NM_001081640.2); short protein forms V1596I.
Identifiers: ClinVar variation 659999 (VCV000659999.6), dbSNP rs748380564, ClinGen allele CA4740790.